The following is an entry in ClinVar:

ClinVar aggregate classification (germline): Uncertain significance (1 of 4 stars; one submission).

gnomAD v4.1: 1 of 1,613,984 alleles (0.000062%); highest among the groups gnomAD compares: Non-Finnish European, 0.000085%; no homozygotes.

Submission:

CeGaT Center for Human Genetics Tuebingen
Classification: Uncertain significance. Last evaluated: 2026-03-01. Review status: criteria provided, single submitter. Criteria: CeGaT Center For Human Genetics Tuebingen Variant Classification Criteria Version 2. Collection method: clinical testing. Allele origin: germline. Affected: yes. Observed: 1 variant allele.
Comment: FAT1: PM2, BP4

NM_005245.4(FAT1):c.3088C>T (p.His1030Tyr)

Gene: FAT1 (FAT atypical cadherin 1; minus strand). Cytogenetic location: 4q35.2.
Variant type: single nucleotide variant.
Coding change: c.3088C>T on transcript NM_005245.4 (MANE Select); coding-DNA position 3088, C replaced by T.
Protein change: p.His1030Tyr; replaces histidine 1030 with tyrosine.
Molecular consequence: missense variant.
Genome position (GRCh38, 1-based): chr4:186,706,740, G>A on the plus strand (C>T on the coding strand, the complement: FAT1 is on the minus strand). VCF-style: chr4-186706740-G-A. GRCh37 (hg19) VCF-style: chr4-187627894-G-A.
Other names: c.3088C>T, p.His1030Tyr (NM_001440455.1, NM_001440456.1, NM_001440457.1); short protein forms H1030Y.
Identifiers: ClinVar variation 4823486 (VCV004823486.4).